The following is an entry in ClinVar:

ClinVar aggregate classification (germline): Uncertain significance (1 of 4 stars; one submission).

Conditions:
FG syndrome (FGS). Identifiers: MedGen C0220769, MONDO:0002010.

Allele frequency attached by ClinVar (database versions not stated): gnomAD exomes below 0.00001.
gnomAD v4.1: 4 of 1,211,633 alleles (0.00033%); highest among the groups gnomAD compares: Non-Finnish European, 0.00045%; no homozygotes.

Submission:

Labcorp Genetics (formerly Invitae), Labcorp
Classification: Uncertain significance for FG syndrome. Last evaluated: 2024-05-29. Review status: criteria provided, single submitter. Criteria: Invitae Variant Classification Sherloc (09022015). Collection method: clinical testing. Allele origin: germline.
Comment: This sequence change falls in intron 38 of the MED12 gene. It does not directly change the encoded amino acid sequence of the MED12 protein. It affects a nucleotide within the consensus splice site. This variant is not present in population databases (gnomAD no frequency). This variant has not been reported in the literature in individuals affected with MED12-related conditions. ClinVar contains an entry for this variant (Variation ID: 1983310). Variants that disrupt the consensus splice site are a relatively common cause of aberrant splicing (PMID: 17576681, 9536098). Algorithms developed to predict the effect of sequence changes on RNA splicing suggest that this variant is not likely to affect RNA splicing. In summary, the available evidence is currently insufficient to determine the role of this variant in disease. Therefore, it has been classified as a Variant of Uncertain Significance.

Literature cited by the submitters: PubMed 17576681; PubMed 9536098.

NM_005120.3(MED12):c.5552-3C>T

Gene: MED12 (mediator complex subunit 12; plus strand). Cytogenetic location: Xq13.1.
Variant type: single nucleotide variant.
Coding change: c.5552-3C>T on transcript NM_005120.3 (MANE Select); 3 bases into the intron before coding-DNA position 5552, C replaced by T.
Molecular consequence: intron variant.
Genome position (GRCh38, 1-based): chrX:71,137,184, C>T. VCF-style: chrX-71137184-C-T. GRCh37 (hg19) VCF-style: chrX-70357034-C-T.
Identifiers: ClinVar variation 1983310 (VCV001983310.4), dbSNP rs2147828860, ClinGen allele CA2579639446.
Genomic context (GRCh38, chrX:71,137,184, plus strand): 5'-AAGGACACTGAGCAAGAGACAGAGGGATGAGGAGCCTAGAGGTCAGCCCACTCTCCTTTT[C>T]AGGTGGCCCTCGTGTGGACCCATACCGTCCTGTGCGCTTACCAATGCAGAAGCTGCCCAC-3'